The following is an entry in ClinVar:

ClinVar aggregate classification (germline): Uncertain significance. Review status: criteria provided, multiple submitters, no conflicts (2 of 4 stars). 3 submissions from 3 submitters: Uncertain significance (3). Last evaluated 2025-06-06.

Conditions:
Inborn genetic diseases. Identifiers: MedGen C0950123, MeSH D030342.
SLC35A1-congenital disorder of glycosylation. Also called: SLC35A1-CDG; CDG IIf; CONGENITAL DISORDER OF GLYCOSYLATION, TYPE IIf. Identifiers: Orphanet 238459, MedGen C1970344, MONDO:0011342, OMIM 603585.

Allele frequency attached by ClinVar (database versions not stated): gnomAD 0.00010 and 0.00011; gnomAD exomes 0.00018 and 0.00028; TOPMed 0.00018; ExAC 0.00021; ESP Exome Variant Server 0.00023; 1000 Genomes Project 0.00040; 1000 Genomes Project 30x 0.00047.
gnomAD v4.1: 420 of 1,613,470 alleles (0.026%); highest among the groups gnomAD compares: Admixed American, 0.052%; no homozygotes.

Submissions (4):

Ambry Genetics
Classification: Uncertain significance for Inborn genetic diseases. Last evaluated: 2025-06-06. Review status: criteria provided, single submitter. Criteria: Ambry Variant Classification Scheme 2023. Collection method: clinical testing. Allele origin: germline.

Baylor Genetics
Classification: Uncertain significance for SLC35A1-congenital disorder of glycosylation. Last evaluated: 2019-07-21. Review status: criteria provided, single submitter. Criteria: ACMG Guidelines, 2015. Collection method: clinical testing. Allele origin: unknown. Affected: yes.
Comment: This variant was determined to be of uncertain significance according to ACMG Guidelines, 2015 [PMID:25741868].

Eurofins Ntd Llc (ga)
Classification: Uncertain significance. Last evaluated: 2015-01-04. Review status: criteria provided, single submitter. Criteria: EGL Classification Definitions 2015. Collection method: clinical testing. Allele origin: germline. Observed: 1 variant allele, 1 heterozygote.

Dr. Peter K. Rogan Lab, Western University
No classification provided (evidence only). Condition: Lung cancer. Review status: no classification provided. Collection method: in vitro. Allele origin: not applicable. Functional consequence: retained intron. Not counted in ClinVar's aggregate classification.

NM_006416.5(SLC35A1):c.890T>G (p.Leu297Arg)

Gene: SLC35A1 (solute carrier family 35 member A1; plus strand). Cytogenetic location: 6q15.
Variant type: single nucleotide variant.
Coding change: c.890T>G on transcript NM_006416.5 (MANE Select); coding-DNA position 890, T replaced by G.
Protein change: p.Leu297Arg; replaces leucine 297 with arginine.
Molecular consequence: missense variant.
Genome position (GRCh38, 1-based): chr6:87,511,402, T>G. VCF-style: chr6-87511402-T-G. GRCh37 (hg19) VCF-style: chr6-88221120-T-G.
Other names: NC_000006.11:g.88221120T>G; c.713T>G, p.Leu238Arg (NM_001168398.2); short protein forms L297R, L238R.
Identifiers: ClinVar variation 198841 (VCV000198841.10), dbSNP rs201507608, ClinGen allele CA247684.
Genomic context (GRCh38, chr6:87,511,402, plus strand): 5'-CATTAGGCATTTTAAAGACACACATACAGATAAAGCTATTTTTTTTTTTCTTTTCAGCAC[T>G]CACCTTTGCCCTGGGTACTCTTCTTGTATGTGTTTCCATATATCTCTATGGATTACCCAG-3'
Protein context (NP_006407.1, residues 287-307): SVMLFGLQIT[Leu297Arg]TFALGTLLVC